The following is an entry in ClinVar:

NM_030665.4(RAI1):c.3885G>T (p.Pro1295=)

Gene: RAI1 (retinoic acid induced 1; plus strand). Cytogenetic location: 17p11.2.
Variant type: single nucleotide variant.
Coding change: c.3885G>T on transcript NM_030665.4 (MANE Select); coding-DNA position 3885, G replaced by T.
Protein change: p.Pro1295=; no amino-acid change (proline 1295 retained).
Molecular consequence: synonymous variant.
Genome position (GRCh38, 1-based): chr17:17,796,833, G>T. VCF-style: chr17-17796833-G-T. GRCh37 (hg19) VCF-style: chr17-17700147-G-T.
Other names: c.3885G>T (NM_030665.3).
Identifiers: ClinVar variation 1600288 (VCV001600288.23), dbSNP rs146259338, ClinGen allele CA8418852.
Genomic context (GRCh38, chr17:17,796,833, plus strand): 5'-TCCCAAGAAAGCCAAGCCCACCAAGGGCAATGGCGAGCCTGCCACAAAGCTCCCACCCCC[G>T]GAGACCCCCGATGCCTGCCTCAAGCTCGCCTCTCGGGCAGCCTTCCAGGGGGCCATGAAG-3'
Protein context (NP_109590.3, residues 1285-1305): NGEPATKLPP[Pro1295=]ETPDACLKLA

ClinVar aggregate classification (germline): Benign/Likely benign. Review status: criteria provided, multiple submitters, no conflicts (2 of 4 stars). 3 submissions from 3 submitters: Benign (1); Likely benign (1). 1 of the submissions does not count toward it. Last evaluated 2025-12-13.

Conditions:
RAI1-related disorder. Also called: RAI1-related condition.

Allele frequency attached by ClinVar (database versions not stated): gnomAD 0.00004 and 0.00007; 1000 Genomes Project 30x 0.00031; 1000 Genomes Project 0.00040.
gnomAD v4.1: 135 of 1,611,376 alleles (0.0084%); highest among the groups gnomAD compares: East Asian, 0.25%; 2 homozygotes.

Submissions (3):

Labcorp Genetics (formerly Invitae), Labcorp
Classification: Benign. Last evaluated: 2025-12-13. Review status: criteria provided, single submitter. Criteria: Invitae Variant Classification Sherloc (09022015). Collection method: clinical testing. Allele origin: germline.

CeGaT Center for Human Genetics Tuebingen
Classification: Likely benign. Last evaluated: 2025-01-01. Review status: criteria provided, single submitter. Criteria: CeGaT Center For Human Genetics Tuebingen Variant Classification Criteria Version 2. Collection method: clinical testing. Allele origin: germline. Affected: yes. Observed: 1 variant allele.
Comment: RAI1: BP4, BP7, BS1

PreventionGenetics, part of Exact Sciences
Classification: Likely benign for RAI1-related condition. Last evaluated: 2019-11-06. Review status: no assertion criteria provided. Collection method: clinical testing. Allele origin: germline. Not counted in ClinVar's aggregate classification.
Comment: This variant is classified as likely benign based on ACMG/AMP sequence variant interpretation guidelines (Richards et al. 2015 PMID: 25741868, with internal and published modifications).